The following is an entry in ClinVar:

ClinVar aggregate classification (germline): Likely benign (1 of 4 stars; one submission).

Conditions:
Breast-ovarian cancer, familial, susceptibility to, 2 (BROVCA2). Also called: BRCA2 Hereditary Breast and Ovarian Cancer. Identifiers: Orphanet 145, MedGen C2675520, MONDO:0012933, OMIM 612555. Disease mechanism: loss of function.

gnomAD v4.1: 1 of 1,607,982 alleles (0.000062%); highest among the groups gnomAD compares: Non-Finnish European, 0.000085%; no homozygotes.

Submission:

Cancer Bioinformatics and Tumour Evolution Laboratory, Monash University
Classification: Likely benign for Breast-ovarian cancer, familial, susceptibility to, 2. Last evaluated: 2026-05-01. Review status: criteria provided, single submitter. Criteria: ClinGen BRCA1 and BRCA2 Guidelines, 2024. Collection method: curation. Allele origin: germline. Inheritance: Autosomal dominant inheritance.
Comment: Missense variant outside of a functional domain with no splice impact. BRCA1 and BRCA2 VCEP guidelines recommend application of BP1_Strong (PMID: 39142283)

NM_000059.4(BRCA2):c.3194T>A (p.Ile1065Asn)

Gene: BRCA2 (BRCA2 DNA repair associated; plus strand). Cytogenetic location: 13q13.1.
Variant type: single nucleotide variant.
Coding change: c.3194T>A on transcript NM_000059.4 (MANE Select); coding-DNA position 3194, T replaced by A.
Protein change: p.Ile1065Asn; replaces isoleucine 1065 with asparagine.
Molecular consequence: missense variant. On other transcripts: non-coding transcript variant (1), intron variant (2).
Genome position (GRCh38, 1-based): chr13:32,337,549, T>A. VCF-style: chr13-32337549-T-A. GRCh37 (hg19) VCF-style: chr13-32911686-T-A.
Other names: c.3194T>A, p.Ile1065Asn (NM_001406719.1, NM_001406720.1, NM_001432077.1); c.1909+4162T>A (NM_001406721.1); c.424+6519T>A (NM_001406722.1); short protein forms I1065N.
Identifiers: ClinVar variation 4856482 (VCV004856482.1).
Genomic context (GRCh38, chr13:32,337,549, plus strand): 5'-TTGAAATTGTAAATACCTTGGCATTAGATAATCAAAAGAAACTGAGCAAGCCTCAGTCAA[T>A]TAATACTGTATCTGCACATTTACAGAGTAGTGTAGTTGTTTCTGATTGTAAAAATAGTCA-3'
Protein context (NP_000050.3, residues 1055-1075): NQKKLSKPQS[Ile1065Asn]NTVSAHLQSS